The following is an entry in ClinVar:

NM_000551.4(VHL):c.88G>T (p.Gly30Trp)

Gene: VHL (von Hippel-Lindau tumor suppressor; plus strand). Cytogenetic location: 3p25.3.
Variant type: single nucleotide variant.
Coding change: c.88G>T on transcript NM_000551.4 (MANE Select); coding-DNA position 88, G replaced by T.
Protein change: p.Gly30Trp; replaces glycine 30 with tryptophan.
Molecular consequence: missense variant.
Genome position (GRCh38, 1-based): chr3:10,141,935, G>T. VCF-style: chr3-10141935-G-T. GRCh37 (hg19) VCF-style: chr3-10183619-G-T.
Other names: c.88G>T, p.Gly30Trp (NM_001354723.2, NM_198156.3); short protein forms G30W.
Identifiers: ClinVar variation 945878 (VCV000945878.11), dbSNP rs913104799, ClinGen allele CA351747567.

ClinVar aggregate classification (germline): Uncertain significance. Review status: criteria provided, multiple submitters, no conflicts (2 of 4 stars). 2 submissions from 2 submitters: Uncertain significance (2). Last evaluated 2025-10-17.

Conditions:
Hereditary cancer-predisposing syndrome. Also called: Neoplastic Syndromes, Hereditary; Hereditary neoplastic syndrome; Hereditary Cancer Syndrome; Tumor predisposition. Identifiers: Orphanet 140162, MedGen C0027672, MeSH D009386, MONDO:0015356.
Von Hippel-Lindau syndrome (VHLS). Also called: von Hippel–Lindau syndrome; VHL syndrome; Von Hippel-Lindau. Identifiers: Orphanet 892, MedGen C0019562, MONDO:0008667, OMIM 193300. Disease mechanism: loss of function.
Chuvash polycythemia. Also called: POLYCYTHEMIA, VHL-DEPENDENT. Identifiers: Orphanet 238557, MedGen C1837915, MONDO:0009892, OMIM 263400.

Submissions (2):

Ambry Genetics
Classification: Uncertain significance for Hereditary cancer-predisposing syndrome. Last evaluated: 2025-10-17. Review status: criteria provided, single submitter. Criteria: Ambry Variant Classification Scheme 2023. Collection method: clinical testing. Allele origin: germline.
Comment: The p.G30W variant (also known as c.88G>T), located in coding exon 1 of the VHL gene, results from a G to T substitution at nucleotide position 88. The glycine at codon 30 is replaced by tryptophan, an amino acid with highly dissimilar properties. This amino acid position is poorly conserved in available vertebrate species. In addition, this alteration is predicted to be tolerated by in silico analysis. Based on the available evidence, the clinical significance of this variant remains unclear.

Labcorp Genetics (formerly Invitae), Labcorp
Classification: Uncertain significance for Von Hippel-Lindau syndrome; Chuvash polycythemia. Last evaluated: 2025-10-03. Review status: criteria provided, single submitter. Criteria: Invitae Variant Classification Sherloc (09022015). Collection method: clinical testing. Allele origin: germline.
Comment: This sequence change replaces glycine, which is neutral and non-polar, with tryptophan, which is neutral and slightly polar, at codon 30 of the VHL protein (p.Gly30Trp). This variant is not present in population databases (gnomAD no frequency). This variant has not been reported in the literature in individuals affected with VHL-related conditions. ClinVar contains an entry for this variant (Variation ID: 945878). Invitae Evidence Modeling of protein sequence and biophysical properties (such as structural, functional, and spatial information, amino acid conservation, physicochemical variation, residue mobility, and thermodynamic stability) indicates that this missense variant is not expected to disrupt VHL protein function with a negative predictive value of 95%. In summary, the available evidence is currently insufficient to determine the role of this variant in disease. Therefore, it has been classified as a Variant of Uncertain Significance.